The following is an entry in ClinVar:

NM_001113378.2(FANCI):c.2518C>T (p.Arg840Cys)

Gene: FANCI (FA complementation group I; plus strand). Cytogenetic location: 15q26.1.
Variant type: single nucleotide variant.
Coding change: c.2518C>T on transcript NM_001113378.2 (MANE Select); coding-DNA position 2518, C replaced by T.
Protein change: p.Arg840Cys; replaces arginine 840 with cysteine.
Molecular consequence: missense variant. On other transcripts: intron variant (1).
Genome position (GRCh38, 1-based): chr15:89,294,976, C>T. VCF-style: chr15-89294976-C-T. GRCh37 (hg19) VCF-style: chr15-89838207-C-T.
Other names: c.2239C>T, p.Arg747Cys (NM_001376910.1); c.2518C>T, p.Arg840Cys (NM_001376911.1); c.2456+979C>T (NM_018193.3); short protein forms R747C, R840C.
Identifiers: ClinVar variation 1974036 (VCV001974036.4), dbSNP rs769097886, ClinGen allele CA7723402.
Genomic context (GRCh38, chr15:89,294,976, plus strand): 5'-GATAGTATCCAAAGCCACCAAGAAAGCCTTTCTGTTCTCAGGTCCAGCAATGAGTTTATG[C>T]GCTATGCAGTGAATGTAGCTCTGCAGAAAGTACAGCAGCTAAAGGAAACAGGGCATGTGA-3'
Protein context (NP_001106849.1, residues 830-850): SVLRSSNEFM[Arg840Cys]YAVNVALQKV

ClinVar aggregate classification (germline): Uncertain significance. Review status: criteria provided, multiple submitters, no conflicts (2 of 4 stars). 2 submissions from 2 submitters: Uncertain significance (2). Last evaluated 2026-01-09.

Conditions:
Fanconi anemia (FA). Also called: Fanconi's anemia. Identifiers: Orphanet 84, MedGen C0015625, MeSH D005199, MONDO:0019391.

Allele frequency attached by ClinVar (database versions not stated): gnomAD 0.00003; ExAC 0.00004; TOPMed 0.00002.
gnomAD v4.1: 19 of 1,552,206 alleles (0.0012%); highest among the groups gnomAD compares: Middle Eastern, 0.017%; no homozygotes.

Submissions (2):

Dasa
Classification: Uncertain significance. Last evaluated: 2026-01-09. Review status: criteria provided, single submitter. Criteria: DASA Assertion Criteria. Collection method: clinical testing. Allele origin: germline.
Comment: NM_001113378.2(FANCI):c.2518C>T (p.Arg840Cys) is a missense variant that results in the substitution of arginine with cysteine. This variant is rare in population databases. The currently available literature and clinical evidence are not sufficient to establish a definitive association between this variant and the reported condition. Therefore, this variant is classified as a variant of uncertain significance.

Labcorp Genetics (formerly Invitae), Labcorp
Classification: Uncertain significance for Fanconi anemia. Last evaluated: 2022-05-07. Review status: criteria provided, single submitter. Criteria: Invitae Variant Classification Sherloc (09022015). Collection method: clinical testing. Allele origin: germline.
Comment: This sequence change replaces arginine, which is basic and polar, with cysteine, which is neutral and slightly polar, at codon 840 of the FANCI protein (p.Arg840Cys). This variant is present in population databases (rs769097886, gnomAD 0.006%). This variant has not been reported in the literature in individuals affected with FANCI-related conditions. Algorithms developed to predict the effect of missense changes on protein structure and function are either unavailable or do not agree on the potential impact of this missense change (SIFT: "Deleterious"; PolyPhen-2: "Possibly Damaging"; Align-GVGD: "Class C0"). In summary, the available evidence is currently insufficient to determine the role of this variant in disease. Therefore, it has been classified as a Variant of Uncertain Significance.